The following is an entry in ClinVar:

ClinVar aggregate classification (germline): not provided (0 of 4 stars; one submission).

Allele frequency attached by ClinVar (database versions not stated): gnomAD 0.00001; gnomAD exomes 0.00001 and 0.00005; TOPMed 0.00004.
gnomAD v4.1: 72 of 1,614,118 alleles (0.0045%); highest among the groups gnomAD compares: Non-Finnish European, 0.0058%; no homozygotes.

Submission:

ITMI
No classification provided. Condition: AllHighlyPenetrant. Last evaluated: 2013-09-19. Review status: no classification provided. Collection method: reference population. Allele origin: germline.
Comment: Please see associated publication for description of ethnicities

Literature cited by the submitters: PubMed 24728327.

NM_170606.3(KMT2C):c.11149G>C (p.Glu3717Gln)

Gene: KMT2C (lysine methyltransferase 2C; minus strand). Cytogenetic location: 7q36.1.
Variant type: single nucleotide variant.
Coding change: c.11149G>C on transcript NM_170606.3 (MANE Select); coding-DNA position 11149, G replaced by C.
Protein change: p.Glu3717Gln; replaces glutamic acid 3717 with glutamine.
Molecular consequence: missense variant.
Genome position (GRCh38, 1-based): chr7:152,162,428, C>G on the plus strand (G>C on the coding strand, the complement: KMT2C is on the minus strand). VCF-style: chr7-152162428-C-G. GRCh37 (hg19) VCF-style: chr7-151859513-C-G.
Other names: short protein forms E3717Q.
Identifiers: ClinVar variation 134798 (VCV000134798.1), dbSNP rs587778506, ClinGen allele CA160765.